The following is an entry in ClinVar:

NM_001492.6(GDF1):c.267G>A (p.Pro89=)

Genes: CERS1 (ceramide synthase 1; minus strand), GDF1 (growth differentiation factor 1; minus strand). Cytogenetic location: 19p13.11.
Variant type: single nucleotide variant.
Coding change: c.267G>A on transcript NM_001492.6 (MANE Select); coding-DNA position 267, G replaced by A.
Protein change: p.Pro89=; no amino-acid change (proline 89 retained).
Molecular consequence: synonymous variant. On other transcripts: 3 prime UTR variant (2).
Genome position (GRCh38, 1-based): chr19:18,870,041, C>T on the plus strand (G>A on the coding strand, the complement: GDF1 is on the minus strand). VCF-style: chr19-18870041-C-T. GRCh37 (hg19) VCF-style: chr19-18980850-C-T.
Other names: c.*536G>A (NM_001387440.1, NM_021267.5); c.267G>A, p.Pro89= (NM_001387438.1).
Identifiers: ClinVar variation 3050799 (VCV003050799.2), dbSNP rs749512657, ClinGen allele CA9317990.

ClinVar aggregate classification (germline): Likely benign (0 of 4 stars; one submission).

Conditions:
GDF1-related disorder. Also called: GDF1-related condition.

Allele frequency attached by ClinVar (database versions not stated): gnomAD exomes 0.00001; ExAC 0.00002.
gnomAD v4.1: 11 of 1,595,462 alleles (0.00069%); highest among the groups gnomAD compares: Non-Finnish European, 0.00085%; no homozygotes.

Submission:

PreventionGenetics, part of Exact Sciences
Classification: Likely benign for GDF1-related condition. Last evaluated: 2019-07-12. Review status: no assertion criteria provided. Collection method: clinical testing. Allele origin: germline.
Comment: This variant is classified as likely benign based on ACMG/AMP sequence variant interpretation guidelines (Richards et al. 2015 PMID: 25741868, with internal and published modifications).